The following is an entry in ClinVar:

NM_004006.3(DMD):c.1183del (p.Arg395fs)

Gene: DMD (dystrophin; minus strand). Cytogenetic location: Xp21.1.
Variant type: Deletion.
Coding change: c.1183del on transcript NM_004006.3 (MANE Select); coding-DNA position 1183, one base deleted (C; older notation c.1183delC).
Protein change: p.Arg395fs; shifts the reading frame from arginine 395.
Molecular consequence: frameshift variant.
Genome position (GRCh38, 1-based): chrX:32,644,280, G deleted on the plus strand (C on the coding strand, the reverse complement: DMD is on the minus strand); the first of 2 consecutive G bases (chrX:32,644,280-32,644,281); deleting either gives the same sequence. VCF-style (leftmost placement, unchanged base first): chrX-32644279-CG-C. GRCh37 (hg19) VCF-style: chrX-32662396-CG-C.
Other names: c.1159del, p.Arg387fs (NM_000109.4); c.1171del, p.Arg391fs (NM_004009.3); c.814del, p.Arg272fs (NM_004010.3); short protein forms R272fs, R387fs, R395fs, R391fs.
Identifiers: ClinVar variation 1427205 (VCV001427205.6), dbSNP rs2146821772, ClinGen allele CA2573158846.

ClinVar aggregate classification (germline): Pathogenic (1 of 4 stars; one submission).

Conditions:
Duchenne muscular dystrophy (DMD). Also called: MUSCULAR DYSTROPHY, PSEUDOHYPERTROPHIC PROGRESSIVE, DUCHENNE TYPE; Duchenne Muscular Dystrophy (DMD). Identifiers: Orphanet 98896, MedGen C0013264, MONDO:0010679, OMIM 310200.

Submission:

Labcorp Genetics (formerly Invitae), Labcorp
Classification: Pathogenic for Duchenne muscular dystrophy. Last evaluated: 2021-09-15. Review status: criteria provided, single submitter. Criteria: Invitae Variant Classification Sherloc (09022015). Collection method: clinical testing. Allele origin: germline.
Comment: For these reasons, this variant has been classified as Pathogenic. This variant has not been reported in the literature in individuals affected with DMD-related conditions. This variant is not present in population databases (ExAC no frequency). This sequence change creates a premature translational stop signal (p.Arg395Glyfs*12) in the DMD gene. It is expected to result in an absent or disrupted protein product. Loss-of-function variants in DMD are known to be pathogenic (PMID: 16770791, 25007885).

Literature cited by the submitters: PubMed 16770791; PubMed 25007885.